The following is an entry in ClinVar:

NM_001198800.3(ASCC1):c.490-5A>G

Gene: ASCC1 (activating signal cointegrator 1 complex subunit 1; minus strand). Cytogenetic location: 10q22.1.
Variant type: single nucleotide variant.
Coding change: c.490-5A>G on transcript NM_001198800.3 (MANE Select); 5 bases into the intron before coding-DNA position 490, A replaced by G.
Molecular consequence: intron variant.
Genome position (GRCh38, 1-based): chr10:72,161,679, T>C on the plus strand (A>G on the coding strand, the complement: ASCC1 is on the minus strand). VCF-style: chr10-72161679-T-C. GRCh37 (hg19) VCF-style: chr10-73921437-T-C.
Other names: c.490-5A>G (NM_001198800.2, NM_001369112.1, NM_001369108.1 and 19 more transcripts); c.556-5A>G (NM_001369099.1, NM_001369086.1, NM_001369085.1); c.574-5A>G (NM_001198799.3); c.373-5A>G (NM_001369105.1, NM_001369102.1, NM_001369106.1 and 2 more transcripts).
Identifiers: ClinVar variation 2112359 (VCV002112359.5), dbSNP rs972449084, ClinGen allele CA209509736.

ClinVar aggregate classification (germline): Likely benign. Review status: criteria provided, multiple submitters, no conflicts (2 of 4 stars). 2 submissions from 2 submitters: Likely benign (2). Last evaluated 2025-08-04.

Conditions:
ASCC1-related disorder. Also called: ASCC1-related condition; ASCC1-Related Disorders.

Allele frequency attached by ClinVar (database versions not stated): gnomAD exomes below 0.00001.
gnomAD v4.1: 1 of 1,614,100 alleles (0.000062%); highest among the groups gnomAD compares: Non-Finnish European, 0.000085%; no homozygotes.

Submissions (2):

Labcorp Genetics (formerly Invitae), Labcorp
Classification: Likely benign. Last evaluated: 2025-08-04. Review status: criteria provided, single submitter. Criteria: Invitae Variant Classification Sherloc (09022015). Collection method: clinical testing. Allele origin: germline.

PreventionGenetics, part of Exact Sciences
Classification: Likely benign for ASCC1-related condition. Last evaluated: 2024-11-03. Review status: criteria provided, single submitter. Criteria: ACMG Guidelines, 2015. Collection method: clinical testing. Allele origin: germline.
Comment: This variant is classified as likely benign based on ACMG/AMP sequence variant interpretation guidelines (Richards et al. 2015 PMID: 25741868, with internal and published modifications).